The following is an entry in ClinVar:

NM_006521.6(TFE3):c.886-406T>G

Gene: TFE3 (transcription factor binding to IGHM enhancer 3; minus strand). Cytogenetic location: Xp11.23.
Variant type: single nucleotide variant.
Coding change: c.886-406T>G on transcript NM_006521.6 (MANE Select); 406 bases into the intron before coding-DNA position 886, T replaced by G.
Molecular consequence: intron variant.
Genome position (GRCh38, 1-based): chrX:49,034,657, A>C on the plus strand (T>G on the coding strand, the complement: TFE3 is on the minus strand). VCF-style: chrX-49034657-A-C. GRCh37 (hg19) VCF-style: chrX-48892171-A-C.
Other names: c.571-406T>G (NM_001282142.2).
Identifiers: ClinVar variation 2660503 (VCV002660503.24), dbSNP rs782679823, ClinGen allele CA329118453.
Genomic context (GRCh38, chrX:49,034,657, plus strand): 5'-CCTTCTCAGGTCTTTGTCGGCTCTGATGGGACATTCCAGTCCGTTAGCTCCTCCCAGCAC[A>C]ACATTCCAATCCAGCATTCTTGGAACACTCCAACCCAATCTTCTCCGACCTTGGTAAATT-3'

ClinVar aggregate classification (germline): Likely benign (1 of 4 stars; one submission).

Allele frequency attached by ClinVar (database versions not stated): gnomAD 0.00065; TOPMed 0.00077; 1000 Genomes Project 30x 0.00083.

Submission:

CeGaT Center for Human Genetics Tuebingen
Classification: Likely benign. Last evaluated: 2022-11-01. Review status: criteria provided, single submitter. Criteria: CeGaT Center For Human Genetics Tuebingen Variant Classification Criteria Version 2. Collection method: clinical testing. Allele origin: germline. Affected: yes. Observed: 1 variant allele.
Comment: TFE3: BS2